The following is an entry in ClinVar:

NM_006231.4(POLE):c.5477G>T (p.Arg1826Leu)

Gene: POLE (DNA polymerase epsilon, catalytic subunit; minus strand). Cytogenetic location: 12q24.33.
Variant type: single nucleotide variant.
Coding change: c.5477G>T on transcript NM_006231.4 (MANE Select); coding-DNA position 5477, G replaced by T.
Protein change: p.Arg1826Leu; replaces arginine 1826 with leucine.
Molecular consequence: missense variant.
Genome position (GRCh38, 1-based): chr12:132,639,200, C>A on the plus strand (G>T on the coding strand, the complement: POLE is on the minus strand). VCF-style: chr12-132639200-C-A. GRCh37 (hg19) VCF-style: chr12-133215786-C-A.
Other names: c.5477G>T (NM_006231.2); short protein forms R1826L.
Identifiers: ClinVar variation 971800 (VCV000971800.11), dbSNP rs1555221919, ClinGen allele CA387374683.

ClinVar aggregate classification (germline): Uncertain significance. Review status: criteria provided, multiple submitters, no conflicts (2 of 4 stars). 2 submissions from 2 submitters: Uncertain significance (2). Last evaluated 2026-06-12.

Conditions:
Hereditary cancer-predisposing syndrome. Also called: Hereditary Cancer Syndrome; Neoplastic Syndromes, Hereditary; Tumor predisposition; Hereditary neoplastic syndrome. Identifiers: Orphanet 140162, MedGen C0027672, MeSH D009386, MONDO:0015356.

gnomAD v4.1: 2 of 1,613,992 alleles (0.00012%); highest among the groups gnomAD compares: Non-Finnish European, 0.00017%; no homozygotes.

Submissions (2):

Ambry Genetics
Classification: Uncertain significance for Hereditary cancer-predisposing syndrome. Last evaluated: 2026-06-12. Review status: criteria provided, single submitter. Criteria: Ambry Variant Classification Scheme 2023. Collection method: clinical testing. Allele origin: germline.
Comment: The p.R1826L variant (also known as c.5477G>T), located in coding exon 40 of the POLE gene, results from a G to T substitution at nucleotide position 5477. The arginine at codon 1826 is replaced by leucine, an amino acid with dissimilar properties. This amino acid position is conserved. In addition, the in silico prediction for this alteration is inconclusive. Based on the available evidence, the clinical significance of this variant remains unclear.

Labcorp Genetics (formerly Invitae), Labcorp
Classification: Uncertain significance. Last evaluated: 2025-07-30. Review status: criteria provided, single submitter. Criteria: Invitae Variant Classification Sherloc (09022015). Collection method: clinical testing. Allele origin: germline.
Comment: This sequence change replaces arginine, which is basic and polar, with leucine, which is neutral and non-polar, at codon 1826 of the POLE protein (p.Arg1826Leu). This variant is not present in population databases (gnomAD no frequency). This variant has not been reported in the literature in individuals affected with POLE-related conditions. ClinVar contains an entry for this variant (Variation ID: 971800). Invitae Evidence Modeling of protein sequence and biophysical properties (such as structural, functional, and spatial information, amino acid conservation, physicochemical variation, residue mobility, and thermodynamic stability) indicates that this missense variant is not expected to disrupt POLE protein function with a negative predictive value of 80%. In summary, the available evidence is currently insufficient to determine the role of this variant in disease. Therefore, it has been classified as a Variant of Uncertain Significance.